The following is an entry in ClinVar:

ClinVar aggregate classification (germline): Conflicting classifications of pathogenicity. Review status: criteria provided, conflicting classifications (1 of 4 stars). 7 submissions from 7 submitters: Uncertain significance (1); Benign (1); Likely benign (5). Last evaluated 2025-09-23.

Conditions:
Juvenile polyposis syndrome (JPS). Identifiers: Orphanet 2929, MedGen C0345893, MONDO:0017380, OMIM 174900.
Hereditary cancer-predisposing syndrome. Also called: Neoplastic Syndromes, Hereditary; Hereditary Cancer Syndrome; Hereditary neoplastic syndrome; Tumor predisposition. Identifiers: Orphanet 140162, MedGen C0027672, MeSH D009386, MONDO:0015356.
Familial thoracic aortic aneurysm and aortic dissection (TAAD). Also called: Thoracic aortic aneurysms and dissections. Identifiers: Orphanet 91387, MedGen C4707243, MONDO:0019625.
Juvenile polyposis/hereditary hemorrhagic telangiectasia syndrome (JPHT). Also called: POLYPOSIS, GENERALIZED JUVENILE, WITH PULMONARY ARTERIOVENOUS MALFORMATION; TELANGIECTASIA, HEREDITARY HEMORRHAGIC, WITH JUVENILE POLYPOSIS COLI; Juvenile Polyposis Syndrome / Hereditary Hemorrhagic Telangiectasia (JPS/HHT); JP/HHT SYNDROME; JUVENILE POLYPOSIS WITH HEREDITARY HEMORRHAGIC TELANGIECTASIA. Identifiers: Orphanet 2929, MedGen C1832942, MONDO:0008278, OMIM 175050.

Allele frequency attached by ClinVar (database versions not stated): gnomAD 0.00002; TOPMed 0.00002.
gnomAD v4.1: 3 of 1,614,038 alleles (0.00019%); highest among the groups gnomAD compares: African/African-American, 0.004%; no homozygotes.

Submissions (7):

Labcorp Genetics (formerly Invitae), Labcorp
Classification: Likely benign for Juvenile polyposis syndrome. Last evaluated: 2025-09-23. Review status: criteria provided, single submitter. Criteria: Invitae Variant Classification Sherloc (09022015). Collection method: clinical testing. Allele origin: germline.

Myriad Genetics, Inc.
Classification: Benign for Juvenile polyposis/hereditary hemorrhagic telangiectasia syndrome. Last evaluated: 2025-03-18. Review status: criteria provided, single submitter. Criteria: Myriad Autosomal Dominant, Autosomal Recessive and X-Linked Classification Criteria (2023). Collection method: clinical testing. Allele origin: unknown.
Comment: This variant is considered benign. This variant is a silent/synonymous amino acid change and it is not expected to impact splicing.

All of Us Research Program, National Institutes of Health
Classification: Likely benign for Juvenile polyposis/hereditary hemorrhagic telangiectasia syndrome. Last evaluated: 2023-06-08. Review status: criteria provided, single submitter. Criteria: ACMG Guidelines, 2015. Collection method: clinical testing. Allele origin: germline. Inheritance: Autosomal dominant inheritance. Observed: 1 variant allele, 1 heterozygote.
Comment: This study involves interpretation of variants in research participants for the purpose of population health screening. Participant phenotype was not available at the time of variant classification. Additional details can be found in publication PMID: 35346344, PMCID: PMC8962531

Sema4
Classification: Uncertain significance for Hereditary cancer-predisposing syndrome. Last evaluated: 2022-01-30. Review status: criteria provided, single submitter. Criteria: Sema4 Curation Guidelines. Collection method: curation. Allele origin: germline.
Comment: The SMAD4 c.132A>G (p.V44=) variant has not been reported in the literature to our knowledge. It was not observed in in the large and broad cohorts of the Genome Aggregation Database (PMID: 32461654). Computational tools developed to predict the effect of sequence changes on RNA splicing suggest this variant may create a cryptic splice site, but this prediction has not been confirmed by functional studies. The evidence is insufficient to meet ACMG/AMP criteria for classifying the variant as benign or pathogenic. Thus, the clinical significance of this variant is currently uncertain.

GeneDx
Classification: Likely benign. Last evaluated: 2021-04-19. Review status: criteria provided, single submitter. Criteria: GeneDx Variant Classification Process June 2021. Collection method: clinical testing. Allele origin: germline. Affected: yes.

Ambry Genetics
Classification: Likely benign for Hereditary cancer-predisposing syndrome; Familial thoracic aortic aneurysm and aortic dissection. Last evaluated: 2018-06-06. Review status: criteria provided, single submitter. Criteria: Ambry Variant Classification Scheme 2023. Collection method: clinical testing. Allele origin: germline.

Color Diagnostics, LLC DBA Color Health
Classification: Likely benign for Hereditary cancer-predisposing syndrome. Last evaluated: 2016-06-30. Review status: criteria provided, single submitter. Criteria: ACMG Guidelines, 2015. Collection method: clinical testing. Allele origin: germline.

NM_005359.6(SMAD4):c.132A>G (p.Val44=)

Gene: SMAD4 (SMAD family member 4; plus strand). Cytogenetic location: 18q21.2.
Variant type: single nucleotide variant.
Coding change: c.132A>G on transcript NM_005359.6 (MANE Select); coding-DNA position 132, A replaced by G.
Protein change: p.Val44=; no amino-acid change (valine 44 retained).
Molecular consequence: synonymous variant.
Genome position (GRCh38, 1-based): chr18:51,047,178, A>G. VCF-style: chr18-51047178-A-G. GRCh37 (hg19) VCF-style: chr18-48573548-A-G.
Identifiers: ClinVar variation 382652 (VCV000382652.23), dbSNP rs965942065, ClinGen allele CA16607984.